The following is an entry in ClinVar:

NM_000443.4(ABCB4):c.1493C>T (p.Thr498Ile)

Gene: ABCB4 (ATP binding cassette subfamily B member 4; minus strand). Cytogenetic location: 7q21.12.
Variant type: single nucleotide variant.
Coding change: c.1493C>T on transcript NM_000443.4 (MANE Select); coding-DNA position 1493, C replaced by T.
Protein change: p.Thr498Ile; replaces threonine 498 with isoleucine.
Molecular consequence: missense variant.
Genome position (GRCh38, 1-based): chr7:87,440,266, G>A on the plus strand (C>T on the coding strand, the complement: ABCB4 is on the minus strand). VCF-style: chr7-87440266-G-A. GRCh37 (hg19) VCF-style: chr7-87069582-G-A.
Other names: c.1493C>T, p.Thr498Ile (NM_018850.3, NM_018849.3); short protein forms T498I.
Identifiers: ClinVar variation 4846639 (VCV004846639.1).

ClinVar aggregate classification (germline): Uncertain significance (1 of 4 stars; one submission).

Conditions:
Familial intrahepatic cholestasis. Identifiers: Orphanet 284385, MedGen CN296401, MONDO:0017290.

Submission:

Genomenon, Inc
Classification: Uncertain significance for Familial intrahepatic cholestasis. Last evaluated: 2026-04-14. Review status: criteria provided, single submitter. Criteria: Genomenon Sequence Variant Interpretation Standards - Updated. Collection method: curation. Allele origin: germline. Affected: yes.
Comment: ABCB4 p.Thr498Ile (c.1493C>T) is a missense variant that changes the amino acid at residue 498 from Threonine to Isoleucine. This variant has been observed in at least one proband with an ABCB4-related disorder (PMID:41165782). It is absent or not present at a significant frequency in gnomAD. In silico models predict that this variant is possibly or probably damaging. In conclusion, we classify ABCB4 p.Thr498Ile (c.1493C>T) as a variant of uncertain significance.

Literature cited by the submitters: PubMed 41165782.